The following is an entry in ClinVar:

ClinVar aggregate classification (germline): Conflicting classifications of pathogenicity. Review status: criteria provided, conflicting classifications (1 of 4 stars). 3 submissions from 3 submitters: Pathogenic (2); Uncertain significance (1). Last evaluated 2024-03-03.

Conditions:
Epilepsy, childhood absence, susceptibility to, 5. Identifiers: Orphanet 64280, MedGen C2677087, MONDO:0012843, OMIM 612269.
Epilepsy, childhood absence, susceptibility to, 1. Also called: Epilepsy, childhood absence 1. Identifiers: Orphanet 64280, MedGen C1838604, MONDO:0020759, OMIM 600131.

Submissions (3):

Labcorp Genetics (formerly Invitae), Labcorp
Classification: Pathogenic for Epilepsy, childhood absence, susceptibility to, 5; Epilepsy, childhood absence, susceptibility to, 1. Last evaluated: 2024-03-03. Review status: criteria provided, single submitter. Criteria: Invitae Variant Classification Sherloc (09022015). Collection method: clinical testing. Allele origin: germline.
Comment: This sequence change replaces lysine, which is basic and polar, with arginine, which is basic and polar, at codon 127 of the GABRB3 protein (p.Lys127Arg). This variant is not present in population databases (gnomAD no frequency). This missense change has been observed in individual(s) with early-onset absence epilepsy (PMID: 28053010; Invitae). In at least one individual the variant was observed to be de novo. ClinVar contains an entry for this variant (Variation ID: 374687). Advanced modeling of protein sequence and biophysical properties (such as structural, functional, and spatial information, amino acid conservation, physicochemical variation, residue mobility, and thermodynamic stability) performed at Invitae indicates that this missense variant is expected to disrupt GABRB3 protein function with a positive predictive value of 95%. For these reasons, this variant has been classified as Pathogenic.

GeneDx
Classification: Pathogenic. Last evaluated: 2022-09-28. Review status: criteria provided, single submitter. Criteria: GeneDx Variant Classification Process June 2021. Collection method: clinical testing. Allele origin: germline. Affected: yes.
Comment: Published functional studies demonstrate a damaging effect by significantly reducing GABA sensitivity and channel current amplitude (Absalom et al., 2022); Not observed at significant frequency in large population cohorts (gnomAD); This variant is associated with the following publications: (PMID: 28053010, 32964447, 34906499, 31785789, 35383156)

CeGaT Center for Human Genetics Tuebingen
Classification: Uncertain significance. Last evaluated: 2016-07-01. Review status: criteria provided, single submitter. Criteria: CeGaT Center For Human Genetics Tuebingen Variant Classification Criteria Version 2. Collection method: clinical testing. Allele origin: germline. Affected: yes. Observed: 1 variant allele.

Literature cited by the submitters: PubMed 28053010 (cited by Labcorp Genetics (formerly Invitae), Labcorp).

NM_000814.6(GABRB3):c.380A>G (p.Lys127Arg)

Gene: GABRB3 (gamma-aminobutyric acid type A receptor subunit beta3; minus strand). Cytogenetic location: 15q12.
Variant type: single nucleotide variant.
Coding change: c.380A>G on transcript NM_000814.6 (MANE Select); coding-DNA position 380, A replaced by G.
Protein change: p.Lys127Arg; replaces lysine 127 with arginine.
Molecular consequence: missense variant. On other transcripts: non-coding transcript variant (1).
Genome position (GRCh38, 1-based): chr15:26,621,395, T>C on the plus strand (A>G on the coding strand, the complement: GABRB3 is on the minus strand). VCF-style: chr15-26621395-T-C. GRCh37 (hg19) VCF-style: chr15-26866542-T-C.
Other names: c.125A>G, p.Lys42Arg (NM_001191320.2, NM_001278631.2); c.167A>G, p.Lys56Arg (NM_001191321.3); c.380A>G, p.Lys127Arg (NM_021912.5); short protein forms K127R, K42R, K56R.
Identifiers: ClinVar variation 374687 (VCV000374687.55), dbSNP rs1057519201, ClinGen allele CA16043848.